The following is an entry in ClinVar:

NM_004341.5(CAD):c.6364C>T (p.Arg2122Cys)

Genes: CAD (carbamoyl-phosphate synthetase 2, aspartate transcarbamylase, and dihydroorotase; plus strand), LOC126806172 (CDK7 strongly-dependent group 2 enhancer GRCh37_chr2:27465505-27466704; plus strand). Cytogenetic location: 2p23.3.
Variant type: single nucleotide variant.
Coding change: c.6364C>T on transcript NM_004341.5 (MANE Select); coding-DNA position 6364, C replaced by T.
Protein change: p.Arg2122Cys; replaces arginine 2122 with cysteine.
Molecular consequence: missense variant.
Genome position (GRCh38, 1-based): chr2:27,242,761, C>T. VCF-style: chr2-27242761-C-T. GRCh37 (hg19) VCF-style: chr2-27465629-C-T.
Other names: c.6175C>T, p.Arg2059Cys (NM_001306079.2); short protein forms R2059C, R2122C.
Identifiers: ClinVar variation 3343360 (VCV003343360.3).
Genomic context (GRCh38, chr2:27,242,761, plus strand): 5'-CGCTACGTGGCACCTCCCAGCCTGCGCATGCCACCCACTGTGCGGGCCTTCGTGGCCTCC[C>T]GCGGCACCAAGCAGGTGAGACCCTCACAGCCCTGCCTGGAAGCCATGGAGATGTGGGTTG-3'
Protein context (NP_004332.2, residues 2112-2132): PPTVRAFVAS[Arg2122Cys]GTKQEEFESI

ClinVar aggregate classification (germline): Uncertain significance. Review status: criteria provided, multiple submitters, no conflicts (2 of 4 stars). 2 submissions from 2 submitters: Uncertain significance (2). Last evaluated 2026-03-09.

gnomAD v4.1: 7 of 1,614,078 alleles (0.00043%); highest among the groups gnomAD compares: South Asian, 0.0033%; no homozygotes.

Submissions (2):

GeneDx
Classification: Uncertain significance. Last evaluated: 2026-03-09. Review status: criteria provided, single submitter. Criteria: GeneDx Variant Classification Process June 2021. Collection method: clinical testing. Allele origin: germline.
Comment: In silico analysis supports that this missense variant has a deleterious effect on protein structure/function; Not observed at significant frequency in large population cohorts (gnomAD); Has not been previously published as pathogenic or benign to our knowledge

Greenwood Genetic Center Diagnostic Laboratories, Greenwood Genetic Center
Classification: Uncertain significance. Last evaluated: 2025-02-17. Review status: criteria provided, single submitter. Criteria: ACMG Guidelines, 2015. Collection method: clinical testing. Allele origin: germline.
Comment: PM2, PP2, PP3